The following is an entry in ClinVar:

NM_000059.4(BRCA2):c.7575del (p.Ala2526fs)

Gene: BRCA2 (BRCA2 DNA repair associated; plus strand). Cytogenetic location: 13q13.1.
Variant type: Deletion.
Coding change: c.7575del on transcript NM_000059.4 (MANE Select); coding-DNA position 7575, one base deleted (A; older notation c.7575delA).
Protein change: p.Ala2526fs; shifts the reading frame from alanine 2526.
Molecular consequence: frameshift variant.
Genome position (GRCh38, 1-based): chr13:32,356,567, A deleted. VCF-style (leftmost placement, unchanged base first): chr13-32356566-CA-C. GRCh37 (hg19) VCF-style: chr13-32930703-CA-C.
Other names: c.7575delA (NM_000059.3); short protein forms A2526fs.
Identifiers: ClinVar variation 225751 (VCV000225751.19), dbSNP rs869320797, ClinGen allele CA10576071.
Genomic context (GRCh38, chr13:32,356,566, plus strand): 5'-CACAGCCAGGCAGTCTGTATCTTGCAAAAACATCCACTCTGCCTCGAATCTCTCTGAAAG[CA>C]GCAGTAGGAGGCCAAGTTCCCTCTGCGTGTTCTCATAAACAGGTATGTGTTTGTCTACAA-3'

ClinVar aggregate classification (germline): Pathogenic. Review status: reviewed by expert panel (3 of 4 stars). 5 submissions from 5 submitters: Pathogenic (1). 4 of the submissions do not count toward it. Last evaluated 2016-09-08.

Conditions:
Hereditary cancer-predisposing syndrome. Also called: Tumor predisposition; Neoplastic Syndromes, Hereditary; Hereditary neoplastic syndrome; Hereditary Cancer Syndrome. Identifiers: Orphanet 140162, MedGen C0027672, MeSH D009386, MONDO:0015356.
Breast-ovarian cancer, familial, susceptibility to, 2 (BROVCA2). Also called: BRCA2 Hereditary Breast and Ovarian Cancer. Identifiers: Orphanet 145, MedGen C2675520, MONDO:0012933, OMIM 612555. Disease mechanism: loss of function.
Hereditary breast ovarian cancer syndrome. Also called: Hereditary breast and/or ovarian cancer syndrome; Hereditary breast and ovarian cancer syndrome (HBOC); Breast and ovarian cancer; Hereditary breast and ovarian cancer; BRCA1- and BRCA2-Associated Hereditary Breast and Ovarian Cancer; Hereditary breast and ovarian cancer syndrome. Identifiers: Orphanet 145, MedGen C0677776, MeSH D061325, MONDO:0003582. Disease mechanism: loss of function.

Submissions (5):

Evidence-based Network for the Interpretation of Germline Mutant Alleles (ENIGMA)
Classification: Pathogenic for Breast-ovarian cancer, familial, susceptibility to, 2. Last evaluated: 2016-09-08. Review status: reviewed by expert panel. Criteria: ENIGMA BRCA1/2 Classification Criteria (2015). Collection method: curation. Allele origin: germline.
Comment: Variant allele predicted to encode a truncated non-functional protein.

Ambry Genetics
Classification: Pathogenic for Hereditary cancer-predisposing syndrome. Last evaluated: 2025-07-22. Review status: criteria provided, single submitter. Criteria: Ambry Variant Classification Scheme 2023. Collection method: clinical testing. Allele origin: germline. Not counted in ClinVar's aggregate classification.
Comment: The c.7575delA pathogenic mutation, located in coding exon 14 of the BRCA2 gene, results from a deletion of one nucleotide at nucleotide position 7575, causing a translational frameshift with a predicted alternate stop codon (p.A2526Qfs*2). This alteration was identified in a cohort of Pakistani breast and/or ovarian cancer patients (Rashid MU et al. Hered Cancer Clin Pract. 2019 Sep;17:27). In addition to the clinical data presented in the literature, this alteration is expected to result in loss of function by premature protein truncation or nonsense-mediated mRNA decay. As such, this alteration is interpreted as a disease-causing mutation.

Labcorp Genetics (formerly Invitae), Labcorp
Classification: Pathogenic for Hereditary breast ovarian cancer syndrome. Last evaluated: 2024-05-07. Review status: criteria provided, single submitter. Criteria: Invitae Variant Classification Sherloc (09022015). Collection method: clinical testing. Allele origin: germline. Not counted in ClinVar's aggregate classification.
Comment: This sequence change creates a premature translational stop signal (p.Ala2526Glnfs*2) in the BRCA2 gene. It is expected to result in an absent or disrupted protein product. Loss-of-function variants in BRCA2 are known to be pathogenic (PMID: 20104584). This variant is not present in population databases (gnomAD no frequency). This premature translational stop signal has been observed in individual(s) with a personal or family history of breast and/or ovarian cancer (PMID: 31528241). ClinVar contains an entry for this variant (Variation ID: 225751). For these reasons, this variant has been classified as Pathogenic.

Molecular Genetics Laboratory, University of Michigan
Classification: Pathogenic for Breast-ovarian cancer, familial, susceptibility to, 2. Last evaluated: 2016-04-21. Review status: criteria provided, single submitter. Criteria: ACMG Guidelines, 2015. Collection method: clinical testing. Allele origin: germline. Affected: yes. Not counted in ClinVar's aggregate classification.

Department of Pathology and Laboratory Medicine, Sinai Health System
Classification: Uncertain significance. Review status: no assertion criteria provided. Collection method: clinical testing. Allele origin: unknown. Affected: yes. Observed: 1 variant allele. Study: The Canadian Open Genetics Repository (COGR). Not counted in ClinVar's aggregate classification.

Literature cited by the submitters: PubMed 31528241 (cited by Ambry Genetics and Labcorp Genetics (formerly Invitae), Labcorp); PubMed 20104584 (cited by Labcorp Genetics (formerly Invitae), Labcorp).